The following is an entry in ClinVar:

ClinVar aggregate classification (germline): Uncertain significance (1 of 4 stars; one submission).

Submission:

GeneDx
Classification: Uncertain significance. Last evaluated: 2024-04-17. Review status: criteria provided, single submitter. Criteria: GeneDx Variant Classification Process June 2021. Collection method: clinical testing. Allele origin: germline. Affected: yes.
Comment: Not observed at significant frequency in large population cohorts (gnomAD); In silico analysis indicates that this missense variant does not alter protein structure/function; Has not been previously published as pathogenic or benign to our knowledge

NM_018426.3(TMEM63B):c.2416T>A (p.Leu806Met)

Gene: TMEM63B (transmembrane protein 63B; plus strand). Cytogenetic location: 6p21.1.
Variant type: single nucleotide variant.
Coding change: c.2416T>A on transcript NM_018426.3 (MANE Select); coding-DNA position 2416, T replaced by A.
Protein change: p.Leu806Met; replaces leucine 806 with methionine.
Molecular consequence: missense variant.
Genome position (GRCh38, 1-based): chr6:44,154,800, T>A. VCF-style: chr6-44154800-T-A. GRCh37 (hg19) VCF-style: chr6-44122537-T-A.
Other names: c.2416T>A, p.Leu806Met (NM_001318792.1); short protein forms L806M.
Identifiers: ClinVar variation 3372676 (VCV003372676.1).